The following is an entry in ClinVar:

ClinVar aggregate classification (germline): Uncertain significance (1 of 4 stars; one submission).

Conditions:
Costello syndrome (CSTLO). Also called: FACIOCUTANEOSKELETAL SYNDROME; FCS SYNDROME; HRAS-Related Costello Syndrome. Identifiers: Orphanet 3071, MedGen C0587248, MONDO:0009026, OMIM 218040.

Submission:

Labcorp Genetics (formerly Invitae), Labcorp
Classification: Uncertain significance for Costello syndrome. Last evaluated: 2025-05-09. Review status: criteria provided, single submitter. Criteria: Invitae Variant Classification Sherloc (09022015). Collection method: clinical testing. Allele origin: germline.
Comment: This sequence change replaces histidine, which is basic and polar, with glutamine, which is neutral and polar, at codon 166 of the HRAS protein (p.His166Gln). This variant is not present in population databases (gnomAD no frequency). This variant has not been reported in the literature in individuals affected with HRAS-related conditions. Invitae Evidence Modeling of protein sequence and biophysical properties (such as structural, functional, and spatial information, amino acid conservation, physicochemical variation, residue mobility, and thermodynamic stability) indicates that this missense variant is not expected to disrupt HRAS protein function with a negative predictive value of 95%. In summary, the available evidence is currently insufficient to determine the role of this variant in disease. Therefore, it has been classified as a Variant of Uncertain Significance.

NM_005343.4(HRAS):c.498C>G (p.His166Gln)

Genes: HRAS (HRas proto-oncogene, GTPase; minus strand), LRRC56 (leucine rich repeat containing 56; plus strand). Cytogenetic location: 11p15.5.
Variant type: single nucleotide variant.
Coding change: c.498C>G on transcript NM_005343.4 (MANE Select); coding-DNA position 498, C replaced by G.
Protein change: p.His166Gln; replaces histidine 166 with glutamine.
Molecular consequence: missense variant. On other transcripts: 3 prime UTR variant (1), intron variant (2).
Genome position (GRCh38, 1-based): chr11:532,708, G>C on the plus strand (C>G on the coding strand, the complement: HRAS is on the minus strand). VCF-style: chr11-532708-G-C. GRCh37 (hg19) VCF-style: chr11-532708-G-C.
Other names: c.498C>G, p.His166Gln (NM_001130442.3); c.261C>G, p.His87Gln (NM_001318054.2); c.*67C>G (NM_176795.5); c.-162+4371G>C (NM_001441284.1, NM_001441286.1); short protein forms H166Q, H87Q.
Identifiers: ClinVar variation 4717464 (VCV004717464.1).
Genomic context (GRCh38, chr11:532,708, plus strand): 5'-ACACTTGCAGCTCATGCAGCCGGGGCCACTCTCATCAGGAGGGTTCAGCTTCCGCAGCTT[G>C]TGCTGCCGGATCTCACGCACCAACGTGTAGAAGGCATCCTCCACTCCCTGGGAAAGGAGG-3'
Protein context (NP_005334.1, residues 156-176): FYTLVREIRQ[His166Gln]KLRKLNPPDE